The following is an entry in ClinVar:

ClinVar aggregate classification (germline): Likely pathogenic (1 of 4 stars; one submission).

gnomAD v4.1: 1 of 1,613,406 alleles (0.000062%); highest among the groups gnomAD compares: African/African-American, 0.0013%; no homozygotes.

Submission:

Labcorp Genetics (formerly Invitae), Labcorp
Classification: Likely pathogenic. Last evaluated: 2026-01-12. Review status: criteria provided, single submitter. Criteria: Invitae Variant Classification Sherloc (09022015). Collection method: clinical testing. Allele origin: germline.
Comment: This sequence change affects a donor splice site in intron 1 of the LRP6 gene. It is expected to disrupt RNA splicing. Variants that disrupt the donor or acceptor splice site typically lead to a loss of protein function (PMID: 16199547), and loss-of-function variants in LRP6 are known to be pathogenic (PMID: 26387593). The frequency data for this variant in the population databases is considered unreliable, as metrics indicate poor data quality at this position in the gnomAD database. This variant has not been reported in the literature in individuals affected with LRP6-related conditions. Algorithms developed to predict the effect of sequence changes on RNA splicing suggest that this variant may disrupt the consensus splice site. In summary, the currently available evidence indicates that the variant is pathogenic, but additional data are needed to prove that conclusively. Therefore, this variant has been classified as Likely Pathogenic.

Literature cited by the submitters: PubMed 16199547; PubMed 26387593.

NM_002336.3(LRP6):c.55+1G>A

Gene: LRP6 (LDL receptor related protein 6; minus strand). Cytogenetic location: 12p13.2.
Variant type: single nucleotide variant.
Coding change: c.55+1G>A on transcript NM_002336.3 (MANE Select); the canonical splice donor site of the intron after coding-DNA position 55, G replaced by A.
Molecular consequence: splice donor variant. On other transcripts: intron variant (1).
Genome position (GRCh38, 1-based): chr12:12,266,680, C>T on the plus strand (G>A on the coding strand, the complement: LRP6 is on the minus strand). VCF-style: chr12-12266680-C-T. GRCh37 (hg19) VCF-style: chr12-12419614-C-T.
Other names: c.55+1G>A (NM_001414245.1, NM_001414247.1, NM_001414255.1 and 6 more transcripts); c.-399+84G>A (NM_001414253.1); c.-5+1G>A (NM_001414252.1); c.-395+1G>A (NM_001414254.1).
Identifiers: ClinVar variation 4735199 (VCV004735199.1).